The following is an entry in ClinVar:

NM_004722.4(AP4M1):c.568del (p.Asp190fs)

Gene: AP4M1 (adaptor related protein complex 4 subunit mu 1; plus strand). Cytogenetic location: 7q22.1.
Variant type: Deletion.
Coding change: c.568del on transcript NM_004722.4 (MANE Select); coding-DNA position 568, one base deleted (G; older notation c.568delG).
Protein change: p.Asp190fs; shifts the reading frame from aspartic acid 190.
Molecular consequence: frameshift variant.
Genome position (GRCh38, 1-based): chr7:100,104,116, G deleted; the last of 2 consecutive G bases (chr7:100,104,115-100,104,116); deleting either gives the same sequence. VCF-style (leftmost placement, unchanged base first): chr7-100104114-TG-T. GRCh37 (hg19) VCF-style: chr7-99701737-TG-T.
Other names: c.589del, p.Asp197fs (NM_001363671.2); c.568delG (NM_004722.4); short protein forms D190fs, D197fs.
Identifiers: ClinVar variation 2682288 (VCV002682288.1), dbSNP rs757055499, ClinGen allele CA4374673.

ClinVar aggregate classification (germline): Pathogenic (1 of 4 stars; one submission).

Conditions:
Hereditary spastic paraplegia 50 (SPG50). Also called: Spastic paraplegia 50, autosomal recessive. Identifiers: Orphanet 280763, MedGen C2752008, MONDO:0013048, OMIM 612936.

Submission:

Women's Health and Genetics/Laboratory Corporation of America, LabCorp
Classification: Pathogenic for Hereditary spastic paraplegia 50. Last evaluated: 2023-11-28. Review status: criteria provided, single submitter. Criteria: LabCorp Variant Classification Summary - May 2015. Collection method: clinical testing. Allele origin: germline.
Comment: Variant summary: AP4M1 c.568delG (p.Asp190MetfsX9) results in a premature termination codon, predicted to cause a truncation of the encoded protein or absence of the protein due to nonsense mediated decay, which are commonly known mechanisms for disease. The variant allele was found at a frequency of 1.2e-05 in 251392 control chromosomes. To our knowledge, no occurrence of c.568delG in individuals affected with Hereditary Spastic Paraplegia 50 and no experimental evidence demonstrating its impact on protein function have been reported. No submitters have cited clinical-significance assessments for this variant to ClinVar after 2014. Based on the evidence outlined above, the variant was classified as pathogenic.